The following is an entry in ClinVar:

NM_194248.3(OTOF):c.4036C>T (p.Gln1346Ter)

Gene: OTOF (otoferlin; minus strand). Cytogenetic location: 2p23.3.
Variant type: single nucleotide variant.
Coding change: c.4036C>T on transcript NM_194248.3 (MANE Select); coding-DNA position 4036, C replaced by T.
Protein change: p.Gln1346Ter; replaces glutamine 1346 with a stop codon.
Molecular consequence: nonsense.
Genome position (GRCh38, 1-based): chr2:26,468,462, G>A on the plus strand (C>T on the coding strand, the complement: OTOF is on the minus strand). VCF-style: chr2-26468462-G-A. GRCh37 (hg19) VCF-style: chr2-26691330-G-A.
Other names: c.4036C>T, p.Gln1346Ter (NM_001287489.2); c.1735C>T, p.Gln579Ter (NM_004802.4, NM_194323.3); c.1966C>T, p.Gln656Ter (NM_194322.3); short protein forms Q656*, Q579*, Q1346*.
Identifiers: ClinVar variation 1956914 (VCV001956914.5), dbSNP rs764606007, ClinGen allele CA346137622.
Genomic context (GRCh38, chr2:26,468,462, plus strand): 5'-GCTCACCCTCGGTATTGTCCACTTCCTCCTTCTCCTCCAAGTCAATTCCAGAGGGCTCTT[G>A]TTGTCGAAGTTGCTGCCAAAAGATGAGATGAAAAGGACAGAAGGTGGGTTTCCTGGGGAG-3'

ClinVar aggregate classification (germline): Pathogenic (1 of 4 stars; one submission).

Submission:

Labcorp Genetics (formerly Invitae), Labcorp
Classification: Pathogenic. Last evaluated: 2022-02-19. Review status: criteria provided, single submitter. Criteria: Invitae Variant Classification Sherloc (09022015). Collection method: clinical testing. Allele origin: germline.
Comment: For these reasons, this variant has been classified as Pathogenic. This variant has not been reported in the literature in individuals affected with OTOF-related conditions. This variant is not present in population databases (gnomAD no frequency). This sequence change creates a premature translational stop signal (p.Gln1346*) in the OTOF gene. It is expected to result in an absent or disrupted protein product. Loss-of-function variants in OTOF are known to be pathogenic (PMID: 18381613, 19250381, 22575033).

Literature cited by the submitters: PubMed 18381613; PubMed 19250381; PubMed 22575033.